The following is an entry in ClinVar:

NM_001352027.3(PHF21A):c.802A>C (p.Thr268Pro)

Gene: PHF21A (PHD finger protein 21A; minus strand). Cytogenetic location: 11p11.2.
Variant type: single nucleotide variant.
Coding change: c.802A>C on transcript NM_001352027.3 (MANE Select); coding-DNA position 802, A replaced by C.
Protein change: p.Thr268Pro; replaces threonine 268 with proline.
Molecular consequence: missense variant. On other transcripts: non-coding transcript variant (2).
Genome position (GRCh38, 1-based): chr11:45,965,509, T>G on the plus strand (A>C on the coding strand, the complement: PHF21A is on the minus strand). VCF-style: chr11-45965509-T-G. GRCh37 (hg19) VCF-style: chr11-45987060-T-G.
Other names: c.799A>C, p.Thr267Pro (NM_001101802.3, NM_001352030.3, NM_001352031.3 and 1 more transcripts); c.802A>C, p.Thr268Pro (NM_001352025.3, NM_001352026.3, NM_001352028.1 and 2 more transcripts); short protein forms T267P, T268P.
Identifiers: ClinVar variation 2501506 (VCV002501506.1), dbSNP rs752695673, ClinGen allele CA221576789.
Genomic context (GRCh38, chr11:45,965,509, plus strand): 5'-CGACACGGACGGGGTGGATGGAATTCTGGGATGTGGGAAGGGTTGTGGGGGTGAACTTGG[T>G]CAGCATGACGGGCCTCTGGATAAGCTGAGGAGCTGCGAGCATGGGAGGTGGTGCTGGGGC-3'
Protein context (NP_001338956.1, residues 258-278): PQLIQRPVML[Thr268Pro]KFTPTTLPTS

ClinVar aggregate classification (germline): Uncertain significance (1 of 4 stars; one submission).

Submission:

GeneDx
Classification: Uncertain significance. Last evaluated: 2022-11-08. Review status: criteria provided, single submitter. Criteria: GeneDx Variant Classification Process June 2021. Collection method: clinical testing. Allele origin: germline. Affected: yes.
Comment: Not observed at significant frequency in large population cohorts (gnomAD); In silico analysis supports that this missense variant does not alter protein structure/function; Has not been previously published as pathogenic or benign to our knowledge